The following is an entry in ClinVar:

NM_031935.3(HMCN1):c.16844A>G (p.Asn5615Ser)

Gene: HMCN1 (hemicentin 1; plus strand). Cytogenetic location: 1q31.1.
Variant type: single nucleotide variant.
Coding change: c.16844A>G on transcript NM_031935.3 (MANE Select); coding-DNA position 16844, A replaced by G.
Protein change: p.Asn5615Ser; replaces asparagine 5615 with serine.
Molecular consequence: missense variant.
Genome position (GRCh38, 1-based): chr1:186,189,814, A>G. VCF-style: chr1-186189814-A-G. GRCh37 (hg19) VCF-style: chr1-186158946-A-G.
Other names: c.16844A>G (NM_031935.2); short protein forms N5615S.
Identifiers: ClinVar variation 2180389 (VCV002180389.5), dbSNP rs376059462, ClinGen allele CA1295662.

ClinVar aggregate classification (germline): Uncertain significance. Review status: criteria provided, multiple submitters, no conflicts (2 of 4 stars). 2 submissions from 2 submitters: Uncertain significance (2). Last evaluated 2025-05-16.

Allele frequency attached by ClinVar (database versions not stated): ExAC 0.00002; gnomAD exomes 0.00004; gnomAD 0.00005; TOPMed 0.00006; ESP Exome Variant Server 0.00015.
gnomAD v4.1: 70 of 1,613,766 alleles (0.0043%); highest among the groups gnomAD compares: Non-Finnish European, 0.0057%; no homozygotes.

Submissions (2):

Ambry Genetics
Classification: Uncertain significance. Last evaluated: 2025-05-16. Review status: criteria provided, single submitter. Criteria: Ambry Variant Classification Scheme 2023. Collection method: clinical testing. Allele origin: germline.

Labcorp Genetics (formerly Invitae), Labcorp
Classification: Uncertain significance. Last evaluated: 2024-11-11. Review status: criteria provided, single submitter. Criteria: Invitae Variant Classification Sherloc (09022015). Collection method: clinical testing. Allele origin: germline.
Comment: This sequence change replaces asparagine, which is neutral and polar, with serine, which is neutral and polar, at codon 5615 of the HMCN1 protein (p.Asn5615Ser). This variant is present in population databases (rs376059462, gnomAD 0.009%). This variant has not been reported in the literature in individuals affected with HMCN1-related conditions. ClinVar contains an entry for this variant (Variation ID: 2180389). An algorithm developed to predict the effect of missense changes on protein structure and function outputs the following: PolyPhen-2: "Probably Damaging". The serine amino acid residue is found in multiple mammalian species, which suggests that this missense change does not adversely affect protein function. In summary, the available evidence is currently insufficient to determine the role of this variant in disease. Therefore, it has been classified as a Variant of Uncertain Significance.